The following is an entry in ClinVar:

ClinVar aggregate classification (germline): Likely benign (1 of 4 stars; one submission).

Submission:

CeGaT Center for Human Genetics Tuebingen
Classification: Likely benign. Last evaluated: 2025-05-01. Review status: criteria provided, single submitter. Criteria: CeGaT Center For Human Genetics Tuebingen Variant Classification Criteria Version 2. Collection method: clinical testing. Allele origin: germline. Affected: yes. Observed: 1 variant allele.
Comment: HRNR: BP4, BP7

NM_001009931.3(HRNR):c.7611C>T (p.Gly2537=)

Genes: CCDST (cervical cancer associated DHX9 suppressive transcript; plus strand), HRNR (hornerin; minus strand). Cytogenetic location: 1q21.3.
Variant type: single nucleotide variant.
Coding change: c.7611C>T on transcript NM_001009931.3 (MANE Select); coding-DNA position 7611, C replaced by T.
Protein change: p.Gly2537=; no amino-acid change (glycine 2537 retained).
Molecular consequence: synonymous variant.
Genome position (GRCh38, 1-based): chr1:152,214,018, G>A on the plus strand (C>T on the coding strand, the complement: HRNR is on the minus strand). VCF-style: chr1-152214018-G-A. GRCh37 (hg19) VCF-style: chr1-152186494-G-A.
Identifiers: ClinVar variation 3904950 (VCV003904950.10).